The following is an entry in ClinVar:

NM_000059.4(BRCA2):c.7762_7764delinsCC (p.Ile2588fs)

Gene: BRCA2 (BRCA2 DNA repair associated; plus strand). Cytogenetic location: 13q13.1.
Variant type: Indel.
Coding change: c.7762_7764delinsCC on transcript NM_000059.4 (MANE Select); coding-DNA positions 7762 to 7764, ATA replaced by CC.
Protein change: p.Ile2588fs; shifts the reading frame from isoleucine 2588.
Molecular consequence: frameshift variant.
Genome position (GRCh38, 1-based): chr13:32,357,886-32,357,888, ATA replaced by CC. VCF-style: chr13-32357886-ATA-CC. GRCh37 (hg19) VCF-style: chr13-32932023-ATA-CC.
Other names: c.7666_7668delATAinsCC, p.Ile2556Profs (NM_001406719.1); c.7762_7764delATAinsCC, p.Ile2588Profs (NM_001406720.1); c.2830_2832delATAinsCC, p.Ile944Profs (NM_001406721.1); c.1345_1347delATAinsCC, p.Ile449Profs (NM_001406722.1); short protein forms I2588fs.
Identifiers: ClinVar variation 1760508 (VCV001760508.2), dbSNP rs483353072, ClinGen allele CA2580087360.
Genomic context (GRCh38, chr13:32,357,886, plus strand): 5'-TTTGGTAAGGAAAGTTTATGGACTGGAAAAGGAATACAGTTGGCTGATGGTGGATGGCTC[ATA>CC]CCCTCCAATGATGGAAAGGCTGGAAAAGAAGAATTTTATAGGTACTCTATGCAAAAAGAT-3'

ClinVar aggregate classification (germline): Pathogenic (1 of 4 stars; one submission).

Conditions:
Hereditary cancer-predisposing syndrome. Also called: Neoplastic Syndromes, Hereditary; Tumor predisposition; Hereditary Cancer Syndrome; Hereditary neoplastic syndrome. Identifiers: Orphanet 140162, MedGen C0027672, MeSH D009386, MONDO:0015356.

Submission:

Ambry Genetics
Classification: Pathogenic for Hereditary cancer-predisposing syndrome. Last evaluated: 2019-08-16. Review status: criteria provided, single submitter. Criteria: Ambry Variant Classification Scheme 2023. Collection method: clinical testing. Allele origin: germline.
Comment: The c.7762_7764delATAinsCC pathogenic mutation, located in coding exon 15 of the BRCA2 gene, results from the deletion of 3 nucleotides and insertion of two nucleotides causing a translational frameshift with a predicted alternate stop codon (p.I2588Pfs*60). This alteration is expected to result in loss of function by premature protein truncation or nonsense-mediated mRNA decay. As such, this alteration is interpreted as a disease-causing mutation.